The following is an entry in ClinVar:

ClinVar aggregate classification (germline): Uncertain significance. Review status: criteria provided, multiple submitters, no conflicts (2 of 4 stars). 3 submissions from 3 submitters: Uncertain significance (3). Last evaluated 2025-01-17.

gnomAD v4.1: 3 of 1,208,661 alleles (0.00025%); highest among the groups gnomAD compares: African/African-American, 0.0018%; no homozygotes.

Submissions (5):

Women's Health and Genetics/Laboratory Corporation of America, LabCorp
Classification: Uncertain significance. Last evaluated: 2025-01-17. Review status: criteria provided, single submitter. Criteria: LabCorp Variant Classification Summary - May 2015. Collection method: clinical testing. Allele origin: germline.
Comment: Variant summary: F8 c.6066C>T alters a non-conserved nucleotide resulting in a synonymous change. Several computational tools predict a significant impact on normal splicing: Three predict the variant creates a cryptic 5' donor site. At least one publication reported experimental evidence that this variant affects mRNA splicing (Jourdy_2019). The variant allele was found at a frequency of 2.5e-06 in 1203601 control chromosomes in the gnomAD database (v4.1 dataset), including two hemizygotes. c.6066C>T has been reported in the literature in at least one individual affected with Factor VIII Deficiency (Hemophilia A), and the phenotype was classified as 'mild' based on (residual) FVIII activity (Eckhardt_2013, Jourdy_2019). One of these publications also reported experimental evidence performing minigene assays, and demonstrated that the variant had a partial impact on splicing, i.e. resulting in normal transcripts, but also creating a cryptic exonic splice site within an in-frame deletion (predicted protein level effect: p.Gly2022_Lys2039delinsGlu) within exon 19 (Jourdy_2019). The following publications have been ascertained in the context of this evaluation (PMID: 23926300, 30690819). ClinVar contains an entry for this variant (Variation ID: 2920911). Based on the evidence outlined above, the variant was classified as uncertain significance.

Mayo Clinic Laboratories, Mayo Clinic
Classification: Uncertain significance. Last evaluated: 2024-04-09. Review status: criteria provided, single submitter. Criteria: ACMG Guidelines, 2015. Collection method: clinical testing. Allele origin: germline. Observed: 1 variant allele.
Comment: PM2_moderate

ARUP Laboratories, Molecular Genetics and Genomics, ARUP Laboratories
Classification: Uncertain significance. Last evaluated: 2023-03-30. Review status: criteria provided, single submitter. Criteria: ARUP Molecular Germline Variant Investigation Process 2024. Collection method: clinical testing. Allele origin: germline.
Comment: The F8 c.6066C>T; p.Gly2022= variant (rs1381488985) is reported in the literature in an individual affected with mild hemophilia A (Jourdy 2019). This variant is only observed on one allele in the Genome Aggregation Database, indicating it is not a common polymorphism. This is a synonymous variant in a weakly conserved nucleotide, but computational analyses (Alamut Visual Plus v.1.5.1) predict that this variant may impact splicing by creating a novel cryptic donor splice site. In vitro functional assays demonstrate co-existence of the normal transcript and an altered transcript using the cryptic splice site that deletes 51 nucleotides from exon 19, leaving the rest of the protein in-frame (Jourdy 2019). However, whether expression of this altered transcript occurs in vivo or results in a functional protein are unknown. Due to the limited clinical and functional data, the significance of this variant is uncertain at this time. References: Jourdy Y et al. Splicing analysis of 26 F8 nucleotide variations using a minigene assay. Haemophilia. 2019 Mar;25(2):306-315. PMID: 30690819.

Dr. Peter K. Rogan Lab, Western University
No classification provided (evidence only). Condition: Thyroid cancer, nonmedullary, 1. Review status: no classification provided. Collection method: in vitro. Allele origin: not applicable. Functional consequence: retained intron. Not counted in ClinVar's aggregate classification.

Dr. Peter K. Rogan Lab, Western University
No classification provided (evidence only). Condition: Thyroid cancer, nonmedullary, 1. Review status: no classification provided. Collection method: in vitro. Allele origin: not applicable. Functional consequence: retained intron. Not counted in ClinVar's aggregate classification.

Literature cited by the submitters: PubMed 23926300 (cited by Women's Health and Genetics/Laboratory Corporation of America, LabCorp); PubMed 30690819 (cited by Women's Health and Genetics/Laboratory Corporation of America, LabCorp and Mayo Clinic Laboratories, Mayo Clinic).

NM_000132.4(F8):c.6066C>T (p.Gly2022=)

Gene: F8 (coagulation factor VIII; minus strand). Cytogenetic location: Xq28.
Variant type: single nucleotide variant.
Coding change: c.6066C>T on transcript NM_000132.4 (MANE Select); coding-DNA position 6066, C replaced by T.
Protein change: p.Gly2022=; no amino-acid change (glycine 2022 retained).
Molecular consequence: synonymous variant.
Genome position (GRCh38, 1-based): chrX:154,902,100, G>A on the plus strand (C>T on the coding strand, the complement: F8 is on the minus strand). VCF-style: chrX-154902100-G-A. GRCh37 (hg19) VCF-style: chrX-154130375-G-A.
Other names: p.Gly2022=; c.6066C>T (NM_000132.3).
Identifiers: ClinVar variation 2920911 (VCV002920911.5), dbSNP rs1381488985, ClinGen allele CA519355892.